The following is an entry in ClinVar:

ClinVar aggregate classification (germline): Likely benign (0 of 4 stars; one submission).

Conditions:
UTP4-related disorder. Also called: UTP4-related condition.

Allele frequency attached by ClinVar (database versions not stated): gnomAD exomes 0.00002; ExAC 0.00007; 1000 Genomes Project 30x 0.00016; 1000 Genomes Project 0.00020; gnomAD 0.00028; ESP Exome Variant Server 0.00031.
gnomAD v4.1: 71 of 1,613,880 alleles (0.0044%); highest among the groups gnomAD compares: African/African-American, 0.081%; no homozygotes.

Submission:

PreventionGenetics, part of Exact Sciences
Classification: Likely benign for UTP4-related condition. Last evaluated: 2021-12-17. Review status: no assertion criteria provided. Collection method: clinical testing. Allele origin: germline.
Comment: This variant is classified as likely benign based on ACMG/AMP sequence variant interpretation guidelines (Richards et al. 2015 PMID: 25741868, with internal and published modifications).

NM_032830.3(UTP4):c.1458C>T (p.Ala486=)

Gene: UTP4 (UTP4 small subunit processome component). Cytogenetic location: 16q22.1.
Variant type: single nucleotide variant.
Coding change: c.1458C>T on transcript NM_032830.3 (MANE Select); coding-DNA position 1458, C replaced by T.
Protein change: p.Ala486=; no amino-acid change (alanine 486 retained).
Molecular consequence: synonymous variant.
Genome position (GRCh38, 1-based): chr16:69,160,369, C>T. VCF-style: chr16-69160369-C-T. GRCh37 (hg19) VCF-style: chr16-69194272-C-T.
Other names: c.1209C>T, p.Ala403= (NM_001318391.2).
Identifiers: ClinVar variation 3046312 (VCV003046312.2), dbSNP rs150828561, ClinGen allele CA8132451.